The following is an entry in ClinVar:

ClinVar aggregate classification (germline): Uncertain significance (1 of 4 stars; one submission).

Allele frequency attached by ClinVar (database versions not stated): gnomAD exomes below 0.00001.
gnomAD v4.1: 2 of 1,613,708 alleles (0.00012%); highest among the groups gnomAD compares: African/African-American, 0.0013%; no homozygotes.

Submission:

GeneDx
Classification: Uncertain significance. Last evaluated: 2023-05-01. Review status: criteria provided, single submitter. Criteria: GeneDx Variant Classification Process June 2021. Collection method: clinical testing. Allele origin: germline. Affected: yes.
Comment: Not observed at significant frequency in large population cohorts (gnomAD); In silico analysis supports that this missense variant does not alter protein structure/function; Has not been previously published as pathogenic or benign to our knowledge

NM_001317778.2(SFTPC):c.200T>C (p.Met67Thr)

Gene: SFTPC (surfactant protein C; plus strand). Cytogenetic location: 8p21.3.
Variant type: single nucleotide variant.
Coding change: c.200T>C on transcript NM_001317778.2 (MANE Select); coding-DNA position 200, T replaced by C.
Protein change: p.Met67Thr; replaces methionine 67 with threonine.
Molecular consequence: missense variant. On other transcripts: intron variant (2).
Genome position (GRCh38, 1-based): chr8:22,162,731, T>C. VCF-style: chr8-22162731-T-C. GRCh37 (hg19) VCF-style: chr8-22020244-T-C.
Other names: c.200T>C, p.Met67Thr (NM_001172357.2, NM_001172410.2, NM_001317780.2 and 8 more transcripts); c.43-349T>C (NM_001385660.1, NM_001317779.2); short protein forms M67T.
Identifiers: ClinVar variation 2662081 (VCV002662081.1), dbSNP rs2538941541, ClinGen allele CA370537010.